The following is an entry in ClinVar:

NM_001378452.1(ITPR1):c.1974C>G (p.Asn658Lys)

Gene: ITPR1 (inositol 1,4,5-trisphosphate receptor type 1; plus strand). Cytogenetic location: 3p26.1.
Variant type: single nucleotide variant.
Coding change: c.1974C>G on transcript NM_001378452.1 (MANE Select); coding-DNA position 1974, C replaced by G.
Protein change: p.Asn658Lys; replaces asparagine 658 with lysine.
Molecular consequence: missense variant.
Genome position (GRCh38, 1-based): chr3:4,669,741, C>G. VCF-style: chr3-4669741-C-G. GRCh37 (hg19) VCF-style: chr3-4711425-C-G.
Other names: c.1974C>G, p.Asn658Lys (NM_001099952.4); c.1929C>G, p.Asn643Lys (NM_001168272.2, NM_002222.7); c.1929C>G (NM_002222.5); short protein forms N658K, N643K.
Identifiers: ClinVar variation 2724464 (VCV002724464.4), dbSNP rs563150711, ClinGen allele CA2231316.

ClinVar aggregate classification (germline): Uncertain significance. Review status: criteria provided, multiple submitters, no conflicts (2 of 4 stars). 2 submissions from 2 submitters: Uncertain significance (2). Last evaluated 2025-01-15.

Conditions:
Inborn genetic diseases. Identifiers: MedGen C0950123, MeSH D030342.

Allele frequency attached by ClinVar (database versions not stated): ExAC 0.00001; gnomAD 0.00002; TOPMed 0.00003; 1000 Genomes Project 30x 0.00016; 1000 Genomes Project 0.00020.
gnomAD v4.1: 5 of 1,613,070 alleles (0.00031%); highest among the groups gnomAD compares: Admixed American, 0.005%; no homozygotes.

Submissions (2):

Ambry Genetics
Classification: Uncertain significance for Inborn genetic diseases. Last evaluated: 2025-01-15. Review status: criteria provided, single submitter. Criteria: Ambry Variant Classification Scheme 2023. Collection method: clinical testing. Allele origin: germline.

Labcorp Genetics (formerly Invitae), Labcorp
Classification: Uncertain significance. Last evaluated: 2022-12-05. Review status: criteria provided, single submitter. Criteria: Invitae Variant Classification Sherloc (09022015). Collection method: clinical testing. Allele origin: germline.
Comment: Advanced modeling of protein sequence and biophysical properties (such as structural, functional, and spatial information, amino acid conservation, physicochemical variation, residue mobility, and thermodynamic stability) performed at Invitae indicates that this missense variant is not expected to disrupt ITPR1 protein function. This variant has not been reported in the literature in individuals affected with ITPR1-related conditions. This variant is present in population databases (rs563150711, gnomAD 0.003%). This sequence change replaces asparagine, which is neutral and polar, with lysine, which is basic and polar, at codon 643 of the ITPR1 protein (p.Asn643Lys). In summary, the available evidence is currently insufficient to determine the role of this variant in disease. Therefore, it has been classified as a Variant of Uncertain Significance.